The following is an entry in ClinVar:

NM_001184.4(ATR):c.3346C>T (p.Pro1116Ser)

Gene: ATR (ATR checkpoint kinase; minus strand). Cytogenetic location: 3q23.
Variant type: single nucleotide variant.
Coding change: c.3346C>T on transcript NM_001184.4 (MANE Select); coding-DNA position 3346, C replaced by T.
Protein change: p.Pro1116Ser; replaces proline 1116 with serine.
Molecular consequence: missense variant.
Genome position (GRCh38, 1-based): chr3:142,547,736, G>A on the plus strand (C>T on the coding strand, the complement: ATR is on the minus strand). VCF-style: chr3-142547736-G-A. GRCh37 (hg19) VCF-style: chr3-142266578-G-A.
Other names: c.3154C>T, p.Pro1052Ser (NM_001354579.2); short protein forms P1116S, P1052S.
Identifiers: ClinVar variation 2496607 (VCV002496607.2), dbSNP rs768537399, ClinGen allele CA2650149.

ClinVar aggregate classification (germline): Uncertain significance (1 of 4 stars; one submission).

Conditions:
Inborn genetic diseases. Identifiers: MedGen C0950123, MeSH D030342.

Allele frequency attached by ClinVar (database versions not stated): ExAC 0.00002.
gnomAD v4.1: 6 of 1,613,584 alleles (0.00037%); highest among the groups gnomAD compares: Non-Finnish European, 0.00051%; no homozygotes.

Submission:

Ambry Genetics
Classification: Uncertain significance for Inborn genetic diseases. Last evaluated: 2023-01-18. Review status: criteria provided, single submitter. Criteria: Ambry Variant Classification Scheme 2023. Collection method: clinical testing. Allele origin: germline.
Comment: The p.P1116S variant (also known as c.3346C>T), located in coding exon 16 of the ATR gene, results from a C to T substitution at nucleotide position 3346. The proline at codon 1116 is replaced by serine, an amino acid with similar properties. This amino acid position is conserved. In addition, this alteration is predicted to be tolerated by in silico analysis. Since supporting evidence is limited at this time, the clinical significance of this alteration remains unclear.